The following is an entry in ClinVar:

ClinVar aggregate classification (germline): Uncertain significance (1 of 4 stars; one submission).

Conditions:
Primary ciliary dyskinesia. Also called: Ciliary dyskinesia. Identifiers: Orphanet 244, MedGen C0008780, MONDO:0016575, HP:0012265.

gnomAD v4.1: 5 of 1,612,920 alleles (0.00031%); highest among the groups gnomAD compares: South Asian, 0.0011%; no homozygotes.

Submission:

Department of Human Genetics, Hannover Medical School
Classification: Uncertain significance for Primary Ciliary Dyskinesia. Last evaluated: 2026-04-01. Review status: criteria provided, single submitter. Criteria: ACMG Guidelines, 2015. Collection method: research. Allele origin: germline. Affected: no.
Comment: Classification performed by HerediClassify using the following criteria:['PM2_supporting: Variant occures does not occur as homozygous in gnomAD.', 'PP3_splicing_supporting: Variant is predicted to have a splice effect by SpliceAI with evidence strength supporting.', "PP4_moderate: The modified PICADAR socre of 4.0 exceeds threshold of 3 achieving 'moderate' evidence strength."]

NM_006017.3(PROM1):c.2550T>C (p.His850=)

Gene: PROM1 (prominin 1; minus strand). Cytogenetic location: 4p15.32.
Variant type: single nucleotide variant.
Coding change: c.2550T>C on transcript NM_006017.3 (MANE Select); coding-DNA position 2550, T replaced by C.
Protein change: p.His850=; no amino-acid change (histidine 850 retained).
Molecular consequence: synonymous variant. On other transcripts: non-coding transcript variant (2), intron variant (6).
Genome position (GRCh38, 1-based): chr4:15,979,427, A>G on the plus strand (T>C on the coding strand, the complement: PROM1 is on the minus strand). VCF-style: chr4-15979427-A-G. GRCh37 (hg19) VCF-style: chr4-15981050-A-G.
Other names: c.2523T>C, p.His841= (NM_001145847.2, NM_001145848.2, NM_001371406.1); c.2520T>C, p.His840= (NM_001441173.1); c.2439T>C, p.His813= (NM_001441174.1); c.2430T>C, p.His810= (NM_001441175.1, NM_001441176.1); c.2418T>C, p.His806= (NM_001441177.1); c.2358T>C, p.His786= (NM_001441178.1); c.2184T>C, p.His728= (NM_001441179.1); c.2462+995T>C (NM_001145852.2, NM_001371408.1, NM_001371407.1); and 3 more.
Identifiers: ClinVar variation 4880078 (VCV004880078.1).